The following is an entry in ClinVar:

NM_001122659.3(EDNRB):c.1085+1G>A

Genes: EDNRB (endothelin receptor type B; minus strand), EDNRB-AS1 (EDNRB antisense RNA 1; plus strand). Cytogenetic location: 13q22.3.
Variant type: single nucleotide variant.
Coding change: c.1085+1G>A on transcript NM_001122659.3 (MANE Select); the canonical splice donor site of the intron after coding-DNA position 1085, G replaced by A.
Molecular consequence: splice donor variant.
Genome position (GRCh38, 1-based): chr13:77,900,520, C>T on the plus strand (G>A on the coding strand, the complement: EDNRB is on the minus strand). VCF-style: chr13-77900520-C-T. GRCh37 (hg19) VCF-style: chr13-78474655-C-T.
Other names: c.1085+1G>A (NM_000115.5, NM_003991.4); c.1355+1G>A (NM_001201397.2).
Identifiers: ClinVar variation 3236824 (VCV003236824.3), dbSNP rs2501530183.
Genomic context (GRCh38, chr13:77,900,520, plus strand): 5'-CGATGGAAACACTTCTGAGTGGCATTTATTTACAAAACCATTTCTAGTTTGCCTTTCTTA[C>T]CTCAAAAGTTCACATCTATTGGGATCATTCTGATTATAAAGAGTGAGCTTCAGAATCCTG-3'

ClinVar aggregate classification (germline): Likely pathogenic. Review status: criteria provided, multiple submitters, no conflicts (2 of 4 stars). 2 submissions from 2 submitters: Likely pathogenic (2). Last evaluated 2026-02-26.

Conditions:
Waardenburg syndrome type 4A (WS4A). Also called: WAARDENBURG SYNDROME WITH HIRSCHSPRUNG DISEASE, TYPE 4A. Identifiers: Orphanet 897, MedGen C1848519, MONDO:0010192, OMIM 277580.

Submissions (2):

GeneDx
Classification: Likely pathogenic. Last evaluated: 2026-02-26. Review status: criteria provided, single submitter. Criteria: GeneDx Variant Classification Process June 2021. Collection method: clinical testing. Allele origin: germline.
Comment: Canonical splice site variant predicted to result in a null allele in a gene for which loss of function is a known mechanism of disease; Not observed at significant frequency in large population cohorts (gnomAD); Has not been previously published as pathogenic or benign to our knowledge

Department of Human Genetics, Hannover Medical School
Classification: Likely pathogenic for Waardenburg syndrome type 4A. Last evaluated: 2024-05-28. Review status: criteria provided, single submitter. Criteria: ACMG Guidelines, 2015. Collection method: clinical testing. Allele origin: germline. Inheritance: Autosomal dominant inheritance. Affected: no.